The following is an entry in ClinVar:

NM_001165963.4(SCN1A):c.4450G>T (p.Asp1484Tyr)

Genes: SCN1A (sodium voltage-gated channel alpha subunit 1; minus strand), LOC102724058 (uncharacterized LOC102724058; plus strand). Cytogenetic location: 2q24.3.
Variant type: single nucleotide variant.
Coding change: c.4450G>T on transcript NM_001165963.4 (MANE Select); coding-DNA position 4450, G replaced by T.
Protein change: p.Asp1484Tyr; replaces aspartic acid 1484 with tyrosine.
Molecular consequence: missense variant. On other transcripts: non-coding transcript variant (1).
Genome position (GRCh38, 1-based): chr2:165,998,064, C>A on the plus strand (G>T on the coding strand, the complement: SCN1A is on the minus strand). VCF-style: chr2-165998064-C-A. GRCh37 (hg19) VCF-style: chr2-166854574-C-A.
Other names: c.4366G>T, p.Asp1456Tyr (NM_001165964.3, NM_001353957.2, NM_001353958.2); c.4450G>T, p.Asp1484Tyr (NM_001202435.3, NM_001353948.2); c.4417G>T, p.Asp1473Tyr (NM_001353949.2, NM_001353950.2, NM_001353951.2 and 2 more transcripts); c.4414G>T, p.Asp1472Tyr (NM_001353954.2, NM_001353955.2); c.4363G>T, p.Asp1455Tyr (NM_001353960.2); c.2008G>T, p.Asp670Tyr (NM_001353961.2); short protein forms D1455Y, D1456Y, D1472Y, D1473Y, D1484Y, D670Y.
Identifiers: ClinVar variation 4879424 (VCV004879424.1).

ClinVar aggregate classification (germline): Likely pathogenic (1 of 4 stars; one submission).

Conditions:
Severe myoclonic epilepsy in infancy (DRVT). Also called: Dravet syndrome; SEVERE MYOCLONIC EPILEPSY OF INFANCY; Epileptic encephalopathy, early infantile, 6 (Dravet syndrome); DEVELOPMENTAL AND EPILEPTIC ENCEPHALOPATHY 6A; Severe Myoclonic Epilepsy in Infancy (SMEI). Identifiers: Orphanet 33069, MedGen C0751122, MONDO:0100135, OMIM 607208.

Submission:

Institute of Human Genetics, University of Leipzig Medical Center
Classification: Likely pathogenic for Severe myoclonic epilepsy in infancy. Last evaluated: 2026-06-16. Review status: criteria provided, single submitter. Criteria: ACMG Guidelines, 2015. Collection method: clinical testing. Allele origin: unknown. Inheritance: Autosomal dominant inheritance. Affected: yes.
Comment: Criteria applied: PM1,PM5,PP3_MOD,PM2_SUP